The following is an entry in ClinVar:

NM_001127496.3(SPRY4):c.57G>A (p.Gln19=)

Gene: SPRY4 (sprouty RTK signaling antagonist 4; minus strand). Cytogenetic location: 5q31.3.
Variant type: single nucleotide variant.
Coding change: c.57G>A on transcript NM_001127496.3 (MANE Select); coding-DNA position 57, G replaced by A.
Protein change: p.Gln19=; no amino-acid change (glutamine 19 retained).
Molecular consequence: synonymous variant.
Genome position (GRCh38, 1-based): chr5:142,315,052, C>T on the plus strand (G>A on the coding strand, the complement: SPRY4 is on the minus strand). VCF-style: chr5-142315052-C-T. GRCh37 (hg19) VCF-style: chr5-141694617-C-T.
Other names: c.57G>A, p.Gln19= (NM_001293289.3, NM_001293290.3); c.126G>A, p.Gln42= (NM_030964.5).
Identifiers: ClinVar variation 3032389 (VCV003032389.2), dbSNP rs750768332, ClinGen allele CA3485632.

ClinVar aggregate classification (germline): Likely benign (0 of 4 stars; one submission).

Conditions:
SPRY4-related disorder. Also called: SPRY4-related condition.

Allele frequency attached by ClinVar (database versions not stated): ExAC 0.00001; gnomAD exomes 0.00002.
gnomAD v4.1: 32 of 1,613,434 alleles (0.002%); highest among the groups gnomAD compares: Non-Finnish European, 0.0022%; no homozygotes.

Submission:

PreventionGenetics, part of Exact Sciences
Classification: Likely benign for SPRY4-related condition. Last evaluated: 2020-10-15. Review status: no assertion criteria provided. Collection method: clinical testing. Allele origin: germline.
Comment: This variant is classified as likely benign based on ACMG/AMP sequence variant interpretation guidelines (Richards et al. 2015 PMID: 25741868, with internal and published modifications).